The following is an entry in ClinVar:

NM_012186.3(FOXE3):c.190C>G (p.Arg64Gly)

Genes: FOXE3 (forkhead box E3; plus strand), LINC01389 (long independently transcribed non-coding RNA 1389; minus strand). Cytogenetic location: 1p33.
Variant type: single nucleotide variant.
Coding change: c.190C>G on transcript NM_012186.3 (MANE Select); coding-DNA position 190, C replaced by G.
Protein change: p.Arg64Gly; replaces arginine 64 with glycine.
Molecular consequence: missense variant.
Genome position (GRCh38, 1-based): chr1:47,416,505, C>G. VCF-style: chr1-47416505-C-G. GRCh37 (hg19) VCF-style: chr1-47882177-C-G.
Other names: short protein forms R64G.
Identifiers: ClinVar variation 1782473 (VCV001782473.3), dbSNP rs1214263951, ClinGen allele CA340249208.

ClinVar aggregate classification (germline): Uncertain significance. Review status: criteria provided, multiple submitters, no conflicts (2 of 4 stars). 2 submissions from 2 submitters: Uncertain significance (2). Last evaluated 2025-09-17.

Conditions:
Cardiovascular phenotype. Identifiers: MedGen CN230736.
Anterior segment dysgenesis. Also called: Ocular anterior segment dysgenesis. Identifiers: Orphanet 88632, MedGen C1862839, MONDO:0019503, HP:0007700.
Congenital primary aphakia. Also called: ANTERIOR SEGMENT DYSGENESIS 2; Anterior segment dysgenesis 2, multiple subtypes. Identifiers: Orphanet 83461, MedGen C1853230, MONDO:0012456, OMIM 610256.

Allele frequency attached by ClinVar (database versions not stated): gnomAD 0.00001.

Submissions (2):

Labcorp Genetics (formerly Invitae), Labcorp
Classification: Uncertain significance for Anterior segment dysgenesis; Congenital primary aphakia. Last evaluated: 2025-09-17. Review status: criteria provided, single submitter. Criteria: Invitae Variant Classification Sherloc (09022015). Collection method: clinical testing. Allele origin: germline.
Comment: This sequence change replaces arginine, which is basic and polar, with glycine, which is neutral and non-polar, at codon 64 of the FOXE3 protein (p.Arg64Gly). This variant is present in population databases (no rsID available, gnomAD 0.01%). This variant has not been reported in the literature in individuals affected with FOXE3-related conditions. ClinVar contains an entry for this variant (Variation ID: 1782473). Invitae Evidence Modeling of protein sequence and biophysical properties (such as structural, functional, and spatial information, amino acid conservation, physicochemical variation, residue mobility, and thermodynamic stability) indicates that this missense variant is not expected to disrupt FOXE3 protein function with a negative predictive value of 95%. In summary, the available evidence is currently insufficient to determine the role of this variant in disease. Therefore, it has been classified as a Variant of Uncertain Significance.

Ambry Genetics
Classification: Uncertain significance for Cardiovascular phenotype. Last evaluated: 2021-09-07. Review status: criteria provided, single submitter. Criteria: Ambry Variant Classification Scheme 2023. Collection method: clinical testing. Allele origin: germline.
Comment: The p.R64G variant (also known as c.190C>G), located in coding exon 1 of the FOXE3 gene, results from a C to G substitution at nucleotide position 190. The arginine at codon 64 is replaced by glycine, an amino acid with dissimilar properties. This amino acid position is conserved. In addition, this alteration is predicted to be tolerated by in silico analysis. Since supporting evidence is limited at this time, the clinical significance of this alteration remains unclear.